The following is an entry in ClinVar:

NM_003640.5(ELP1):c.2015-15_2018del

Gene: ELP1 (elongator acetyltransferase complex subunit 1; minus strand). Cytogenetic location: 9q31.3.
Variant type: Deletion.
Coding change: c.2015-15_2018del on transcript NM_003640.5 (MANE Select); 15 bases into the intron before coding-DNA position 2015 through coding-DNA position 2018, 19 bases deleted (TAATGGTGTGTTTAGCATT).
Molecular consequence: splice acceptor variant.
Genome position (GRCh38, 1-based): chr9:108,900,372-108,900,390, AATGCTAAACACACCATTA deleted on the plus strand (TAATGGTGTGTTTAGCATT on the coding strand, the reverse complement: ELP1 is on the minus strand); deleting any 19 consecutive bases within chr9:108,900,372-108,900,391 gives the same sequence; the c. name uses the placement nearest the transcript's 3' end. VCF-style (leftmost placement, unchanged base first): chr9-108900371-TAATGCTAAACACACCATTA-T. GRCh37 (hg19) VCF-style: chr9-111662651-TAATGCTAAACACACCATTA-T.
Other names: c.1673-15_1676del (NM_001318360.2); c.968-15_971del (NM_001330749.2).
Identifiers: ClinVar variation 3643890 (VCV003643890.2).

ClinVar aggregate classification (germline): Likely pathogenic (1 of 4 stars; one submission).

Submission:

Labcorp Genetics (formerly Invitae), Labcorp
Classification: Likely pathogenic. Last evaluated: 2024-03-01. Review status: criteria provided, single submitter. Criteria: Invitae Variant Classification Sherloc (09022015). Collection method: clinical testing. Allele origin: germline.
Comment: This variant results in the deletion of part of exon 19 (c.2015-15_2018del) of the ELP1 gene. It is expected to disrupt RNA splicing. Variants that disrupt the donor or acceptor splice site typically lead to a loss of protein function (PMID: 16199547), and loss-of-function variants in ELP1 are known to be pathogenic (PMID: 18303054, 24173031). This variant is not present in population databases (gnomAD no frequency). This variant has not been reported in the literature in individuals affected with ELP1-related conditions. In summary, the currently available evidence indicates that the variant is pathogenic, but additional data are needed to prove that conclusively. Therefore, this variant has been classified as Likely Pathogenic.

Literature cited by the submitters: PubMed 16199547; PubMed 18303054; PubMed 24173031.